The following is an entry in ClinVar:

NM_001355436.2(SPTB):c.4075C>T (p.Arg1359Trp)

Gene: SPTB (spectrin beta, erythrocytic; minus strand). Cytogenetic location: 14q23.3.
Variant type: single nucleotide variant.
Coding change: c.4075C>T on transcript NM_001355436.2 (MANE Select); coding-DNA position 4075, C replaced by T.
Protein change: p.Arg1359Trp; replaces arginine 1359 with tryptophan.
Molecular consequence: missense variant.
Genome position (GRCh38, 1-based): chr14:64,782,481, G>A on the plus strand (C>T on the coding strand, the complement: SPTB is on the minus strand). VCF-style: chr14-64782481-G-A. GRCh37 (hg19) VCF-style: chr14-65249199-G-A.
Other names: NM_000347.5:c.4075C>T; c.4075C>T, p.Arg1359Trp (NM_001024858.4, NM_001355437.2); c.4075C>T (NM_001024858.2); short protein forms R1359W.
Identifiers: ClinVar variation 313733 (VCV000313733.42), dbSNP rs189656371, ClinGen allele CA7230410.

ClinVar aggregate classification (germline): Conflicting classifications of pathogenicity. Review status: criteria provided, conflicting classifications (1 of 4 stars). 8 submissions from 8 submitters: Uncertain significance (3); Benign (1); Likely benign (4). Last evaluated 2026-01-08.

Conditions:
SPTB-related disorder. Also called: SPTB-Related Disorders; SPTB-related condition.

Allele frequency attached by ClinVar (database versions not stated): ESP Exome Variant Server 0.00015; gnomAD 0.00048 and 0.00057; TOPMed 0.00048; gnomAD exomes 0.00087 and 0.00094; 1000 Genomes Project 30x 0.00094; ExAC 0.00099; 1000 Genomes Project 0.00100.
gnomAD v4.1: 1,341 of 1,614,114 alleles (0.083%); highest among the groups gnomAD compares: South Asian, 0.38%; 5 homozygotes.

Submissions (8):

Labcorp Genetics (formerly Invitae), Labcorp
Classification: Benign. Last evaluated: 2026-01-08. Review status: criteria provided, single submitter. Criteria: Invitae Variant Classification Sherloc (09022015). Collection method: clinical testing. Allele origin: germline.

Mayo Clinic Laboratories, Mayo Clinic
Classification: Uncertain significance. Last evaluated: 2025-07-17. Review status: criteria provided, single submitter. Criteria: ACMG Guidelines, 2015. Collection method: clinical testing. Allele origin: germline. Observed: 8 variant alleles.
Comment: BP4_moderate

CeGaT Center for Human Genetics Tuebingen
Classification: Likely benign. Last evaluated: 2025-06-01. Review status: criteria provided, single submitter. Criteria: CeGaT Center For Human Genetics Tuebingen Variant Classification Criteria Version 2. Collection method: clinical testing. Allele origin: germline. Affected: yes. Observed: 3 variant alleles.
Comment: SPTB: BP4, BS2

ARUP Laboratories, Molecular Genetics and Genomics, ARUP Laboratories
Classification: Likely benign. Last evaluated: 2025-04-17. Review status: criteria provided, single submitter. Criteria: ARUP Molecular Germline Variant Investigation Process 2024. Collection method: clinical testing. Allele origin: germline.

PreventionGenetics, part of Exact Sciences
Classification: Likely benign for SPTB-related condition. Last evaluated: 2025-04-07. Review status: criteria provided, single submitter. Criteria: ACMG Guidelines, 2015. Collection method: clinical testing. Allele origin: germline.
Comment: This variant is classified as likely benign based on ACMG/AMP sequence variant interpretation guidelines (Richards et al. 2015 PMID: 25741868, with internal and published modifications).

Blueprint Genetics
Classification: Likely benign. Last evaluated: 2024-11-25. Review status: criteria provided, single submitter. Criteria: ACMG Guidelines, 2015. Collection method: clinical testing. Allele origin: germline.

GeneDx
Classification: Uncertain significance. Last evaluated: 2023-03-20. Review status: criteria provided, single submitter. Criteria: GeneDx Variant Classification Process June 2021. Collection method: clinical testing. Allele origin: germline. Affected: yes.
Comment: Identified in a patient with hereditary spherocytosis in the published literature, but familial segregation information and additional clinical information were not included (Aggarwal et al., 2020); In silico analysis supports that this missense variant has a deleterious effect on protein structure/function; This variant is associated with the following publications: (PMID: 34426522, Vyas_2021_Computational, 31602632)

Breakthrough Genomics
Classification: Uncertain significance. Review status: criteria provided, single submitter. Criteria: ACMG Guidelines, 2015. Collection method: not provided. Allele origin: germline. Inheritance: Autosomal dominant inheritance. Affected: yes.

Literature cited by the submitters: PubMed 31602632 (cited by Mayo Clinic Laboratories, Mayo Clinic).